The following is an entry in ClinVar:

ClinVar aggregate classification (germline): Uncertain significance. Review status: criteria provided, multiple submitters, no conflicts (2 of 4 stars). 2 submissions from 2 submitters: Uncertain significance (2). Last evaluated 2025-07-31.

Conditions:
Malignant hyperthermia, susceptibility to, 5 (MHS5). Also called: CACNA1S-Related Malignant Hyperthermia Susceptibility. Identifiers: Orphanet 423, MedGen C1866077, MONDO:0011163, OMIM 601887.
Hypokalemic periodic paralysis, type 1. Also called: Hypokalemic Periodic Paralysis Type 1 (AD); HypoPP. Identifiers: Orphanet 681, MedGen C3714580, MONDO:0042979, OMIM 170400.
Congenital myopathy 18. Also called: Myopathy, congenital, due to dihydropyridine receptor defect; DIHYDROPYRIDINE RECEPTOR CONGENITAL MYOPATHY; DHPR CONGENITAL MYOPATHY. Identifiers: MedGen C5830283, MONDO:0859514, OMIM 620246.
Thyrotoxic periodic paralysis, susceptibility to, 1 (TTPP1). Identifiers: Orphanet 79102, MedGen C2749982, MONDO:0008570, OMIM 188580.

Submissions (2):

GeneDx
Classification: Uncertain significance. Last evaluated: 2025-07-31. Review status: criteria provided, single submitter. Criteria: GeneDx Variant Classification Process June 2021. Collection method: clinical testing. Allele origin: germline. Affected: yes.
Comment: Not observed at significant frequency in large population cohorts (gnomAD); In silico analysis supports that this missense variant has a deleterious effect on protein structure/function; Has not been previously published as pathogenic or benign to our knowledge

Fulgent Genetics
Classification: Uncertain significance for Hypokalemic periodic paralysis, type 1; Thyrotoxic periodic paralysis, susceptibility to, 1; Malignant hyperthermia, susceptibility to, 5; Congenital myopathy 18. Last evaluated: 2024-05-12. Review status: criteria provided, single submitter. Criteria: ACMG Guidelines, 2015. Collection method: clinical testing. Allele origin: germline.

NM_000069.3(CACNA1S):c.3461A>C (p.Asn1154Thr)

Gene: CACNA1S (calcium voltage-gated channel subunit alpha1 S; minus strand). Cytogenetic location: 1q32.1.
Variant type: single nucleotide variant.
Coding change: c.3461A>C on transcript NM_000069.3 (MANE Select); coding-DNA position 3461, A replaced by C.
Protein change: p.Asn1154Thr; replaces asparagine 1154 with threonine.
Molecular consequence: missense variant.
Genome position (GRCh38, 1-based): chr1:201,059,253, T>G on the plus strand (A>C on the coding strand, the complement: CACNA1S is on the minus strand). VCF-style: chr1-201059253-T-G. GRCh37 (hg19) VCF-style: chr1-201028381-T-G.
Other names: c.3461A>C (NM_000069.2); short protein forms N1154T.
Identifiers: ClinVar variation 3577012 (VCV003577012.2).